The following is an entry in ClinVar:

NM_001376.5(DYNC1H1):c.7662G>T (p.Gln2554His)

Gene: DYNC1H1 (dynein cytoplasmic 1 heavy chain 1; plus strand). Cytogenetic location: 14q32.31.
Variant type: single nucleotide variant.
Coding change: c.7662G>T on transcript NM_001376.5 (MANE Select); coding-DNA position 7662, G replaced by T.
Protein change: p.Gln2554His; replaces glutamine 2554 with histidine.
Molecular consequence: missense variant.
Genome position (GRCh38, 1-based): chr14:102,016,813, G>T. VCF-style: chr14-102016813-G-T. GRCh37 (hg19) VCF-style: chr14-102483150-G-T.
Other names: short protein forms Q2554H.
Identifiers: ClinVar variation 3372457 (VCV003372457.1).

ClinVar aggregate classification (germline): Uncertain significance (1 of 4 stars; one submission).

gnomAD v4.1: 1 of 1,613,984 alleles (0.000062%); highest among the groups gnomAD compares: Non-Finnish European, 0.000085%; no homozygotes.

Submission:

GeneDx
Classification: Uncertain significance. Last evaluated: 2024-04-15. Review status: criteria provided, single submitter. Criteria: GeneDx Variant Classification Process June 2021. Collection method: clinical testing. Allele origin: germline. Affected: yes.
Comment: In silico analysis supports that this missense variant has a deleterious effect on protein structure/function; Has not been previously published as pathogenic or benign to our knowledge; This variant is associated with the following publications: (PMID: 25512093, 25609763, 26100331)